The following is an entry in ClinVar:

NM_000631.5(NCF4):c.283G>A (p.Val95Met)

Genes: NCF4 (neutrophil cytosolic factor 4; plus strand), NCF4-AS1 (NCF4 antisense RNA 1; minus strand). Cytogenetic location: 22q12.3.
Variant type: single nucleotide variant.
Coding change: c.283G>A on transcript NM_000631.5 (MANE Select); coding-DNA position 283, G replaced by A.
Protein change: p.Val95Met; replaces valine 95 with methionine.
Molecular consequence: missense variant.
Genome position (GRCh38, 1-based): chr22:36,867,403, G>A. VCF-style: chr22-36867403-G-A. GRCh37 (hg19) VCF-style: chr22-37263445-G-A.
Other names: c.283G>A, p.Val95Met (NM_013416.4); short protein forms V95M.
Identifiers: ClinVar variation 2198294 (VCV002198294.3), dbSNP rs112273712, ClinGen allele CA10212928.

ClinVar aggregate classification (germline): Conflicting classifications of pathogenicity. Review status: criteria provided, conflicting classifications (1 of 4 stars). 2 submissions from 2 submitters: Uncertain significance (1); Likely benign (1). Last evaluated 2025-04-15.

Conditions:
Granulomatous disease, chronic, autosomal recessive, cytochrome b-positive, type 3. Also called: GRANULOMATOUS DISEASE, CHRONIC, AUTOSOMAL RECESSIVE, 3; CGD, AUTOSOMAL RECESSIVE CYTOCHROME b-POSITIVE, TYPE III; Granulomatous disease, chronic, autosomal recessive, cytochrome b-positive, type III; GRANULOMATOUS DISEASE, CHRONIC, DUE TO NCF4 DEFICIENCY. Identifiers: Orphanet 379, MedGen C3151409, MONDO:0013507, OMIM 613960.

Allele frequency attached by ClinVar (database versions not stated): gnomAD 0.00001; gnomAD exomes 0.00001; ExAC 0.00002; TOPMed 0.00002.
gnomAD v4.1: 13 of 1,614,076 alleles (0.00081%); highest among the groups gnomAD compares: South Asian, 0.0044%; no homozygotes.

Submissions (2):

Ambry Genetics
Classification: Likely benign. Last evaluated: 2025-04-15. Review status: criteria provided, single submitter. Criteria: Ambry Variant Classification Scheme 2023. Collection method: clinical testing. Allele origin: germline.

Labcorp Genetics (formerly Invitae), Labcorp
Classification: Uncertain significance for Granulomatous disease, chronic, autosomal recessive, cytochrome b-positive, type 3. Last evaluated: 2022-01-15. Review status: criteria provided, single submitter. Criteria: Invitae Variant Classification Sherloc (09022015). Collection method: clinical testing. Allele origin: germline.
Comment: In summary, the available evidence is currently insufficient to determine the role of this variant in disease. Therefore, it has been classified as a Variant of Uncertain Significance. Algorithms developed to predict the effect of missense changes on protein structure and function output the following: SIFT: "Tolerated"; PolyPhen-2: "Benign"; Align-GVGD: "Class C0". The methionine amino acid residue is found in multiple mammalian species, which suggests that this missense change does not adversely affect protein function. This variant has not been reported in the literature in individuals affected with NCF4-related conditions. This variant is present in population databases (rs112273712, gnomAD 0.006%). This sequence change replaces valine, which is neutral and non-polar, with methionine, which is neutral and non-polar, at codon 95 of the NCF4 protein (p.Val95Met).